The following is an entry in ClinVar:

NM_000059.4(BRCA2):c.845A>C (p.His282Pro)

Gene: BRCA2 (BRCA2 DNA repair associated; plus strand). Cytogenetic location: 13q13.1.
Variant type: single nucleotide variant.
Coding change: c.845A>C on transcript NM_000059.4 (MANE Select); coding-DNA position 845, A replaced by C.
Protein change: p.His282Pro; replaces histidine 282 with proline.
Molecular consequence: missense variant. On other transcripts: non-coding transcript variant (1), intron variant (1).
Genome position (GRCh38, 1-based): chr13:32,332,323, A>C. VCF-style: chr13-32332323-A-C. GRCh37 (hg19) VCF-style: chr13-32906460-A-C.
Other names: c.845A>C, p.His282Pro (NM_001406720.1, NM_001406721.1, NM_001432077.1 and 1 more transcripts); c.424+1293A>C (NM_001406722.1); short protein forms H282P.
Identifiers: ClinVar variation 4856488 (VCV004856488.1).
Genomic context (GRCh38, chr13:32,332,323, plus strand): 5'-CTTTAACAGGATTTGGAAAAACATCAGGGAATTCATTTAAAGTAAATAGCTGCAAAGACC[A>C]CATTGGAAAGTCAATGCCAAATGTCCTAGAAGATGAAGTATATGAAACAGTTGTAGATAC-3'
Protein context (NP_000050.3, residues 272-292): NSFKVNSCKD[His282Pro]IGKSMPNVLE

ClinVar aggregate classification (germline): Likely benign (1 of 4 stars; one submission).

Conditions:
Breast-ovarian cancer, familial, susceptibility to, 2 (BROVCA2). Also called: BRCA2 Hereditary Breast and Ovarian Cancer. Identifiers: Orphanet 145, MedGen C2675520, MONDO:0012933, OMIM 612555. Disease mechanism: loss of function.

gnomAD v4.1: 1 of 1,604,254 alleles (0.000062%); highest among the groups gnomAD compares: Non-Finnish European, 0.000085%; no homozygotes.

Submission:

Cancer Bioinformatics and Tumour Evolution Laboratory, Monash University
Classification: Likely benign for Breast-ovarian cancer, familial, susceptibility to, 2. Last evaluated: 2026-05-01. Review status: criteria provided, single submitter. Criteria: ClinGen BRCA1 and BRCA2 Guidelines, 2024. Collection method: curation. Allele origin: germline. Inheritance: Autosomal dominant inheritance.
Comment: PMID: 39281752 - A large scale study to determine the case-control LR of BRCA1 and BRCA2 variants. The data was consolidated in the ccLR browser. This variant was found in the browser with a LR of 2.052175704 which is in the no evidence range according to the BRCA1 and BRCA2 VCEP. Hence, no evidence code is applied. Missense variant outside of a functional domain with no splice impact. BRCA1 and BRCA2 VCEP guidelines recommend application of BP1_Strong (PMID: 39142283)

Literature cited by the submitters: PubMed 39281752.